The following is an entry in ClinVar:

NM_001080517.3(SETD5):c.4139C>T (p.Ser1380Leu)

Gene: SETD5 (SET domain containing 5; plus strand). Cytogenetic location: 3p25.3.
Variant type: single nucleotide variant.
Coding change: c.4139C>T on transcript NM_001080517.3 (MANE Select); coding-DNA position 4139, C replaced by T.
Protein change: p.Ser1380Leu; replaces serine 1380 with leucine.
Molecular consequence: missense variant.
Genome position (GRCh38, 1-based): chr3:9,475,901, C>T. VCF-style: chr3-9475901-C-T. GRCh37 (hg19) VCF-style: chr3-9517585-C-T.
Other names: c.3845C>T, p.Ser1282Leu (NM_001292043.2, NM_001349451.2); short protein forms S1380L, S1282L.
Identifiers: ClinVar variation 2265578 (VCV002265578.3), dbSNP rs771249741, ClinGen allele CA2239872.
Genomic context (GRCh38, chr3:9,475,901, plus strand): 5'-CAGTTTCTCAGTCCAGCACAGGAACTCTGAGTTCCACCTCCTTTCCTCAGAACTCTAGGT[C>T]GTCATTGCCATCAGACTTACGGACTATCAGTCTGCCCAGTGCTGGGCAGTCAGCTGTCTA-3'
Protein context (NP_001073986.1, residues 1370-1390): SSTSFPQNSR[Ser1380Leu]SLPSDLRTIS

ClinVar aggregate classification (germline): Uncertain significance. Review status: criteria provided, multiple submitters, no conflicts (2 of 4 stars). 2 submissions from 2 submitters: Uncertain significance (2). Last evaluated 2025-03-31.

Conditions:
Inborn genetic diseases. Identifiers: MedGen C0950123, MeSH D030342.

Allele frequency attached by ClinVar (database versions not stated): ExAC 0.00001; gnomAD exomes 0.00001.
gnomAD v4.1: 11 of 1,613,994 alleles (0.00068%); highest among the groups gnomAD compares: Non-Finnish European, 0.00093%; no homozygotes.

Submissions (2):

Labcorp Genetics (formerly Invitae), Labcorp
Classification: Uncertain significance. Last evaluated: 2025-03-31. Review status: criteria provided, single submitter. Criteria: Invitae Variant Classification Sherloc (09022015). Collection method: clinical testing. Allele origin: germline.
Comment: This sequence change replaces serine, which is neutral and polar, with leucine, which is neutral and non-polar, at codon 1380 of the SETD5 protein (p.Ser1380Leu). This variant is present in population databases (rs771249741, gnomAD 0.006%). This variant has not been reported in the literature in individuals affected with SETD5-related conditions. ClinVar contains an entry for this variant (Variation ID: 2265578). Invitae Evidence Modeling of protein sequence and biophysical properties (such as structural, functional, and spatial information, amino acid conservation, physicochemical variation, residue mobility, and thermodynamic stability) has been performed for this missense variant. However, the output from this modeling did not meet the statistical confidence thresholds required to predict the impact of this variant on SETD5 protein function. In summary, the available evidence is currently insufficient to determine the role of this variant in disease. Therefore, it has been classified as a Variant of Uncertain Significance.

Ambry Genetics
Classification: Uncertain significance for Inborn genetic diseases. Last evaluated: 2021-12-07. Review status: criteria provided, single submitter. Criteria: Ambry Variant Classification Scheme 2023. Collection method: clinical testing. Allele origin: germline.